The following is an entry in ClinVar:

NM_000553.6(WRN):c.3766del (p.Ser1256fs)

Gene: WRN (WRN RecQ like helicase; plus strand). Cytogenetic location: 8p12.
Variant type: Deletion.
Coding change: c.3766del on transcript NM_000553.6 (MANE Select); coding-DNA position 3766, one base deleted (T; older notation c.3766delT).
Protein change: p.Ser1256fs; shifts the reading frame from serine 1256.
Molecular consequence: frameshift variant.
Genome position (GRCh38, 1-based): chr8:31,154,702, T deleted; the last of 3 consecutive T bases (chr8:31,154,700-31,154,702); deleting any one gives the same sequence. VCF-style (leftmost placement, unchanged base first): chr8-31154699-CT-C. GRCh37 (hg19) VCF-style: chr8-31012215-CT-C.
Other names: short protein forms S1256fs.
Identifiers: ClinVar variation 2001585 (VCV002001585.4), dbSNP rs2536056686, ClinGen allele CA2580078122.

ClinVar aggregate classification (germline): Pathogenic (1 of 4 stars; one submission).

Conditions:
Werner syndrome (WRN). Identifiers: Orphanet 902, MedGen C0043119, MONDO:0010196, OMIM 277700.

Submission:

Labcorp Genetics (formerly Invitae), Labcorp
Classification: Pathogenic for Werner syndrome. Last evaluated: 2022-06-01. Review status: criteria provided, single submitter. Criteria: Invitae Variant Classification Sherloc (09022015). Collection method: clinical testing. Allele origin: germline.
Comment: For these reasons, this variant has been classified as Pathogenic. This variant has not been reported in the literature in individuals affected with WRN-related conditions. This variant is not present in population databases (gnomAD no frequency). This sequence change creates a premature translational stop signal (p.Ser1256Hisfs*18) in the WRN gene. It is expected to result in an absent or disrupted protein product. Loss-of-function variants in WRN are known to be pathogenic (PMID: 16673358).

Literature cited by the submitters: PubMed 16673358.